The following is an entry in ClinVar:

ClinVar aggregate classification (germline): Likely benign. Review status: criteria provided, single submitter (1 of 4 stars). 2 submissions from 2 submitters: Likely benign (1). 1 of the submissions does not count toward it. Last evaluated 2026-01-25.

Conditions:
ABCB4-related disorder. Also called: ABCB4-related disorders; ABCB4-related condition.

Allele frequency attached by ClinVar (database versions not stated): gnomAD exomes 0.00002; ExAC 0.00006; gnomAD 0.00006; TOPMed 0.00009.
gnomAD v4.1: 43 of 1,613,886 alleles (0.0027%); highest among the groups gnomAD compares: African/African-American, 0.023%; no homozygotes.

Submissions (2):

Labcorp Genetics (formerly Invitae), Labcorp
Classification: Likely benign. Last evaluated: 2026-01-25. Review status: criteria provided, single submitter. Criteria: Invitae Variant Classification Sherloc (09022015). Collection method: clinical testing. Allele origin: germline.

PreventionGenetics, part of Exact Sciences
Classification: Likely benign for ABCB4-related condition. Last evaluated: 2022-11-29. Review status: no assertion criteria provided. Collection method: clinical testing. Allele origin: germline. Not counted in ClinVar's aggregate classification.
Comment: This variant is classified as likely benign based on ACMG/AMP sequence variant interpretation guidelines (Richards et al. 2015 PMID: 25741868, with internal and published modifications).

NM_000443.4(ABCB4):c.1272G>A (p.Thr424=)

Gene: ABCB4 (ATP binding cassette subfamily B member 4; minus strand). Cytogenetic location: 7q21.12.
Variant type: single nucleotide variant.
Coding change: c.1272G>A on transcript NM_000443.4 (MANE Select); coding-DNA position 1272, G replaced by A.
Protein change: p.Thr424=; no amino-acid change (threonine 424 retained).
Molecular consequence: synonymous variant.
Genome position (GRCh38, 1-based): chr7:87,443,403, C>T on the plus strand (G>A on the coding strand, the complement: ABCB4 is on the minus strand). VCF-style: chr7-87443403-C-T. GRCh37 (hg19) VCF-style: chr7-87072719-C-T.
Other names: c.1272G>A, p.Thr424= (NM_018849.3, NM_018850.3); c.1272G>A (NM_000443.3).
Identifiers: ClinVar variation 2962244 (VCV002962244.5), dbSNP rs768662475, ClinGen allele CA4327333.
Genomic context (GRCh38, chr7:87,443,403, plus strand): 5'-CCTCTGTATCAGCTGGACCGTTGTGCTCTTCCCACAGCCACTACTTCCAACCAGGGCCAC[C>T]GTCTGCCCACTCTGCACCTTCAGGTTGAGGCCCTTCAAGATCTGTAAGGAAAATGAGAAA-3'
Protein context (NP_000434.1, residues 414-434): GLNLKVQSGQ[Thr424=]VALVGSSGCG